The following is an entry in ClinVar:

ClinVar aggregate classification (germline): Uncertain significance (0 of 4 stars; one submission).

Conditions:
NR0B2-related disorder. Also called: NR0B2-related condition.

gnomAD v4.1: 16 of 1,613,950 alleles (0.00099%); highest among the groups gnomAD compares: African/African-American, 0.017%; no homozygotes.

Submission:

PreventionGenetics, part of Exact Sciences
Classification: Uncertain significance for NR0B2-related condition. Last evaluated: 2024-02-05. Review status: no assertion criteria provided. Collection method: clinical testing. Allele origin: germline.
Comment: The NR0B2 c.392G>A variant is predicted to result in the amino acid substitution p.Gly131Asp. To our knowledge, this variant has not been reported in the literature. This variant is reported in 0.0062% of alleles in individuals of African descent in gnomAD. At this time, the clinical significance of this variant is uncertain due to the absence of conclusive functional and genetic evidence.

NM_021969.3(NR0B2):c.392G>A (p.Gly131Asp)

Genes: NR0B2 (nuclear receptor subfamily 0 group B member 2; minus strand), NUDC (nuclear distribution C, dynein complex regulator; plus strand). Cytogenetic location: 1p36.11.
Variant type: single nucleotide variant.
Coding change: c.392G>A on transcript NM_021969.3 (MANE Select); coding-DNA position 392, G replaced by A.
Protein change: p.Gly131Asp; replaces glycine 131 with aspartic acid.
Molecular consequence: missense variant.
Genome position (GRCh38, 1-based): chr1:26,913,549, C>T on the plus strand (G>A on the coding strand, the complement: NR0B2 is on the minus strand). VCF-style: chr1-26913549-C-T. GRCh37 (hg19) VCF-style: chr1-27240040-C-T.
Other names: short protein forms G131D.
Identifiers: ClinVar variation 3353047 (VCV003353047.1).
Genomic context (GRCh38, chr1:26,913,549, plus strand): 5'-CATTGAAGCCACTGCACCGCAGCCAGGGAGGGCTGGGGTCTGTCTGGCAGTTGGCCACTG[C>T]CTCCACTGCTGCTGGGCTCCTCCAGCAGAATCTTCTTGAGTATGCTGGGCACCGGGGCCT-3'
Protein context (NP_068804.1, residues 121-141): ILLEEPSSSG[Gly131Asp]SGQLPDRPQP